The following is an entry in ClinVar:

ClinVar aggregate classification (germline): Uncertain significance (1 of 4 stars; one submission).

Conditions:
CREBBP-related disorder. Also called: CREBBP-related condition; CREBBP-related disorders.

Submission:

PreventionGenetics, part of Exact Sciences
Classification: Uncertain significance for CREBBP-related condition. Last evaluated: 2025-06-12. Review status: criteria provided, single submitter. Criteria: ACMG Guidelines, 2015. Collection method: clinical testing. Allele origin: germline.
Comment: The CREBBP c.583C>T variant is predicted to result in the amino acid substitution p.His195Tyr. To our knowledge, this variant has not been reported in the literature or in a large population database (gnomAD), indicating this variant is rare. At this time, the clinical significance of this variant is uncertain due to the absence of conclusive functional and genetic evidence.

NM_004380.3(CREBBP):c.583C>T (p.His195Tyr)

Gene: CREBBP (CREB binding lysine acetyltransferase; minus strand). Cytogenetic location: 16p13.3.
Variant type: single nucleotide variant.
Coding change: c.583C>T on transcript NM_004380.3 (MANE Select); coding-DNA position 583, C replaced by T.
Protein change: p.His195Tyr; replaces histidine 195 with tyrosine.
Molecular consequence: missense variant.
Genome position (GRCh38, 1-based): chr16:3,850,512, G>A on the plus strand (C>T on the coding strand, the complement: CREBBP is on the minus strand). VCF-style: chr16-3850512-G-A. GRCh37 (hg19) VCF-style: chr16-3900513-G-A.
Other names: c.583C>T, p.His195Tyr (NM_001079846.1); short protein forms H195Y.
Identifiers: ClinVar variation 4998086 (VCV004998086.1).
Genomic context (GRCh38, chr16:3,850,512, plus strand): 5'-CCCCAAGAGATCCATTCATGACTTGCGCCTGCCCTTGTGAAGCCTGATTAATTAAGCTAT[G>A]GCCAGAGTTACTATTGAGGAGGCCTGGGTGGGTCTGGTTAAAGTTAGCATTCATGCAGAT-3'
Protein context (NP_004371.2, residues 185-205): HPGLLNSNSG[His195Tyr]SLINQASQGQ